The following is an entry in ClinVar:

NM_001297.5(CNGB1):c.*1228C>G

Gene: CNGB1 (cyclic nucleotide gated channel subunit beta 1; minus strand). Cytogenetic location: 16q21.
Variant type: single nucleotide variant.
Coding change: c.*1228C>G on transcript NM_001297.5 (MANE Select); 1228 bases downstream of the stop codon, C replaced by G.
Molecular consequence: 3 prime UTR variant.
Genome position (GRCh38, 1-based): chr16:57,882,936, G>C on the plus strand (C>G on the coding strand, the complement: CNGB1 is on the minus strand). VCF-style: chr16-57882936-G-C. GRCh37 (hg19) VCF-style: chr16-57916840-G-C.
Other names: c.*1228C>G (NM_001286130.2).
Identifiers: ClinVar variation 320029 (VCV000320029.5), dbSNP rs1477406, ClinGen allele CA10647869.

ClinVar aggregate classification (germline): Likely benign (1 of 4 stars; one submission).

Conditions:
Retinitis pigmentosa (RP). Identifiers: Orphanet 791, MedGen C0035334, MeSH D012174, MONDO:0019200, OMIM 268000. Inheritance: Autosomal dominant, autosomal recessive and X linked inheritance.

Allele frequency attached by ClinVar (database versions not stated): 1000 Genomes Project 0.02756; 1000 Genomes Project 30x 0.02826; TOPMed 0.04982; gnomAD 0.05142 and 0.05245.

Submission:

Illumina Laboratory Services, Illumina
Classification: Likely benign for Retinitis pigmentosa. Last evaluated: 2018-01-12. Review status: criteria provided, single submitter. Criteria: ICSL Variant Classification Criteria 13 December 2019. Collection method: clinical testing. Allele origin: germline.
Comment: This variant was observed in the ICSL laboratory as part of a predisposition screen in an ostensibly healthy population. It had not been previously curated by ICSL or reported in the Human Gene Mutation Database (HGMD: prior to June 1st, 2018), and was therefore a candidate for classification through an automated scoring system. Utilizing variant allele frequency, disease prevalence and penetrance estimates, and inheritance mode, an automated score was calculated to assess if this variant is too frequent to cause the disease. Based on the score and internal cut-off values, a variant classified as likely benign is not then subjected to further curation. The score for this variant resulted in a classification of likely benign for this disease.